The following is an entry in ClinVar:

ClinVar aggregate classification (germline): Benign (1 of 4 stars; one submission).

Allele frequency attached by ClinVar (database versions not stated): gnomAD 0.24840 and 0.26296; TOPMed 0.25528; 1000 Genomes Project 30x 0.34666; 1000 Genomes Project 0.35783.
gnomAD v4.1: 40,095 of 152,124 alleles (26%); highest among the groups gnomAD compares: East Asian, 61%; 6,498 homozygotes.

Submission:

GeneDx
Classification: Benign. Last evaluated: 2018-06-15. Review status: criteria provided, single submitter. Criteria: GeneDx Variant Classification (06012015). Collection method: clinical testing. Allele origin: germline. Affected: yes.
Comment: This variant is considered likely benign or benign based on one or more of the following criteria: it is a conservative change, it occurs at a poorly conserved position in the protein, it is predicted to be benign by multiple in silico algorithms, and/or has population frequency not consistent with disease.

NM_022114.4(PRDM16):c.884+215G>A

Gene: PRDM16 (PR/SET domain 16; plus strand). Cytogenetic location: 1p36.32.
Variant type: single nucleotide variant.
Coding change: c.884+215G>A on transcript NM_022114.4 (MANE Select); 215 bases into the intron after coding-DNA position 884, G replaced by A.
Molecular consequence: intron variant.
Genome position (GRCh38, 1-based): chr1:3,403,213, G>A. VCF-style: chr1-3403213-G-A. GRCh37 (hg19) VCF-style: chr1-3319777-G-A.
Other names: c.884+215G>A (NM_199454.3).
Identifiers: ClinVar variation 674734 (VCV000674734.1), dbSNP rs4471209, ClinGen allele CA10656204.